The following is an entry in ClinVar:

NM_000444.6(PHEX):c.1816G>T (p.Glu606Ter)

Genes: PHEX (phosphate regulating endopeptidase X-linked; plus strand), PTCHD1-AS (PTCHD1 and PHEX antisense RNA; minus strand). Cytogenetic location: Xp22.11.
Variant type: single nucleotide variant.
Coding change: c.1816G>T on transcript NM_000444.6 (MANE Select); coding-DNA position 1816, G replaced by T.
Protein change: p.Glu606Ter; replaces glutamic acid 606 with a stop codon.
Molecular consequence: nonsense.
Genome position (GRCh38, 1-based): chrX:22,221,660, G>T. VCF-style: chrX-22221660-G-T. GRCh37 (hg19) VCF-style: chrX-22239777-G-T.
Other names: c.1816G>T, p.Glu606Ter (NM_001282754.2); short protein forms E606*.
Identifiers: ClinVar variation 2817618 (VCV002817618.3), dbSNP rs2518664344, ClinGen allele CA412573617.

ClinVar aggregate classification (germline): Pathogenic (1 of 4 stars; one submission).

Submission:

Labcorp Genetics (formerly Invitae), Labcorp
Classification: Pathogenic. Last evaluated: 2022-11-30. Review status: criteria provided, single submitter. Criteria: Invitae Variant Classification Sherloc (09022015). Collection method: clinical testing. Allele origin: germline.
Comment: For these reasons, this variant has been classified as Pathogenic. This variant has not been reported in the literature in individuals affected with PHEX-related conditions. This variant is not present in population databases (gnomAD no frequency). This sequence change creates a premature translational stop signal (p.Glu606*) in the PHEX gene. It is expected to result in an absent or disrupted protein product. Loss-of-function variants in PHEX are known to be pathogenic (PMID: 9097956, 9106524, 19219621).

Literature cited by the submitters: PubMed 9097956; PubMed 9106524; PubMed 19219621.